The following is an entry in ClinVar:

ClinVar aggregate classification (germline): Conflicting classifications of pathogenicity. Review status: criteria provided, conflicting classifications (1 of 4 stars). 2 submissions from 2 submitters: Likely pathogenic (1); Uncertain significance (1). Last evaluated 2025-11-06.

Conditions:
Inborn genetic diseases. Identifiers: MedGen C0950123, MeSH D030342.

Submissions (2):

Ambry Genetics
Classification: Likely pathogenic for Inborn genetic diseases. Last evaluated: 2025-11-06. Review status: criteria provided, single submitter. Criteria: Ambry Variant Classification Scheme 2023. Collection method: clinical testing. Allele origin: germline.
Comment: The c.1508_1511delCGGC (p.P503Lfs*145) alteration, located in exon 14 (coding exon 14) of the DVL1 gene, consists of a deletion of 4 nucleotides from position 1508 to 1511, causing a translational frameshift with a predicted alternate stop codon after 145 amino acids. This alteration occurs at the 3' terminus of the DVL1 gene and is not expected to trigger nonsense-mediated mRNA decay. This variant was not reported in population-based cohorts in the Genome Aggregation Database (gnomAD). This variant is located in a region of the protein where truncating variants that escape nonsense mediated mRNA decay have been reported as disease-causing for Robinow syndrome (Zhang, 2025). Based on the available evidence, this alteration is classified as likely pathogenic.

Labcorp Genetics (formerly Invitae), Labcorp
Classification: Uncertain significance. Last evaluated: 2024-03-16. Review status: criteria provided, single submitter. Criteria: Invitae Variant Classification Sherloc (09022015). Collection method: clinical testing. Allele origin: germline.
Comment: This sequence change creates a premature translational stop signal (p.Pro503Leufs*145) in the DVL1 gene. While this is not anticipated to result in nonsense mediated decay, it is expected to disrupt the last 168 amino acid(s) of the DVL1 protein. This variant is not present in population databases (gnomAD no frequency). This variant has not been reported in the literature in individuals affected with DVL1-related conditions. Experimental studies and prediction algorithms are not available or were not evaluated, and the functional significance of this variant is currently unknown. In summary, the available evidence is currently insufficient to determine the role of this variant in disease. Therefore, it has been classified as a Variant of Uncertain Significance.

Literature cited by the submitters: PubMed 40766624 (cited by Ambry Genetics).

NM_001330311.2(DVL1):c.1583_1586del (p.Pro528fs)

Gene: DVL1 (dishevelled segment polarity protein 1; minus strand). Cytogenetic location: 1p36.33.
Variant type: Deletion.
Coding change: c.1583_1586del on transcript NM_001330311.2 (MANE Select); coding-DNA positions 1583 to 1586, 4 bases deleted (CGGC; older notation c.1583_1586delCGGC).
Protein change: p.Pro528fs; shifts the reading frame from proline 528.
Molecular consequence: frameshift variant.
Genome position (GRCh38, 1-based): chr1:1,338,105-1,338,108, GCCG deleted on the plus strand (CGGC on the coding strand, the reverse complement: DVL1 is on the minus strand); deleting any 4 consecutive bases within chr1:1,338,105-1,338,109 gives the same sequence; the c. name uses the placement nearest the transcript's 3' end. VCF-style (leftmost placement, unchanged base first): chr1-1338104-AGCCG-A. GRCh37 (hg19) VCF-style: chr1-1273484-AGCCG-A.
Other names: c.1508_1511del, p.Pro503fs (NM_004421.3); c.1508_1511delCGGC (NM_004421.2); short protein forms P528fs, P503fs.
Identifiers: ClinVar variation 3646220 (VCV003646220.3).
Genomic context (GRCh38, chr1:1,338,104, plus strand): 5'-GAAGCAGGGTGGGGGTCCCGGGTACTGGTAGGGGTAGCCCTGACCCAGAGGCCAGGGGGC[AGCCG>A]GGTGGGGCAGCGGGGCCAGCGTGTCCTGATCCGAAGTCCCACTGGAGCCACTGTTGAGGT-3'